The following is an entry in ClinVar:

NM_001365276.2(TNXB):c.9678C>G (p.Pro3226=)

Gene: TNXB (tenascin XB; minus strand). Cytogenetic location: 6p21.33.
Variant type: single nucleotide variant.
Coding change: c.9678C>G on transcript NM_001365276.2 (MANE Select); coding-DNA position 9678, C replaced by G.
Protein change: p.Pro3226=; no amino-acid change (proline 3226 retained).
Molecular consequence: synonymous variant.
Genome position (GRCh38, 1-based): chr6:32,049,349, G>C on the plus strand (C>G on the coding strand, the complement: TNXB is on the minus strand). VCF-style: chr6-32049349-G-C. GRCh37 (hg19) VCF-style: chr6-32017126-G-C.
Other names: c.9672C>G, p.Pro3224= (NM_019105.8).
Identifiers: ClinVar variation 1219126 (VCV001219126.10), dbSNP rs370447794, ClinGen allele CA3733446.
Genomic context (GRCh38, chr6:32,049,349, plus strand): 5'-CACTGGGCCCACGCGCTGCCCCTCGTGGAGGCCGTACAGATGCATCTTGTATTTGCGCCC[G>C]GGCTCCAGGCCCCCCACGGTGACCTCGCTCTCCTCGCCCCTGACACGCACCACCTGGGGC-3'
Protein context (NP_001352205.1, residues 3216-3236): ESEVTVGGLE[Pro3226=]GRKYKMHLYG

ClinVar aggregate classification (germline): Benign/Likely benign. Review status: criteria provided, multiple submitters, no conflicts (2 of 4 stars). 7 submissions from 7 submitters: Benign (1); Likely benign (6). Last evaluated 2026-01-28.

Conditions:
TNXB-related disorder. Also called: TNXB-related condition.
Cardiovascular phenotype. Identifiers: MedGen CN230736.

Allele frequency attached by ClinVar (database versions not stated): 1000 Genomes Project 0.00020; 1000 Genomes Project 30x 0.00047; ESP Exome Variant Server 0.00105.
gnomAD v4.1: 249 of 1,612,438 alleles (0.015%); highest among the groups gnomAD compares: African/African-American, 0.23%; no homozygotes.

Submissions (7):

Labcorp Genetics (formerly Invitae), Labcorp
Classification: Benign. Last evaluated: 2026-01-28. Review status: criteria provided, single submitter. Criteria: Invitae Variant Classification Sherloc (09022015). Collection method: clinical testing. Allele origin: germline.

Women's Health and Genetics/Laboratory Corporation of America, LabCorp
Classification: Likely benign. Last evaluated: 2025-06-04. Review status: criteria provided, single submitter. Criteria: LabCorp Variant Classification Summary - May 2015. Collection method: clinical testing. Allele origin: germline.

PreventionGenetics, part of Exact Sciences
Classification: Likely benign for TNXB-related condition. Last evaluated: 2024-12-18. Review status: criteria provided, single submitter. Criteria: ACMG Guidelines, 2015. Collection method: clinical testing. Allele origin: germline.
Comment: This variant is classified as likely benign based on ACMG/AMP sequence variant interpretation guidelines (Richards et al. 2015 PMID: 25741868, with internal and published modifications).

Blueprint Genetics
Classification: Likely benign. Last evaluated: 2023-12-01. Review status: criteria provided, single submitter. Criteria: ACMG Guidelines, 2015. Collection method: clinical testing. Allele origin: germline.

GeneDx
Classification: Likely benign. Last evaluated: 2020-11-25. Review status: criteria provided, single submitter. Criteria: GeneDx Variant Classification Process June 2021. Collection method: clinical testing. Allele origin: germline. Affected: yes.

Ambry Genetics
Classification: Likely benign for Cardiovascular phenotype. Last evaluated: 2020-10-06. Review status: criteria provided, single submitter. Criteria: Ambry Variant Classification Scheme 2023. Collection method: clinical testing. Allele origin: germline.

Breakthrough Genomics
Classification: Likely benign. Review status: criteria provided, single submitter. Criteria: ACMG Guidelines, 2015. Collection method: not provided. Allele origin: germline. Inheritance: Autosomal recessive inheritance. Affected: yes.